The following is an entry in ClinVar:

ClinVar aggregate classification (germline): Uncertain significance (1 of 4 stars; one submission).

Conditions:
Familial focal epilepsy with variable foci (FPEVF). Identifiers: Orphanet 98820, MedGen C1858477, MONDO:0020310.

Submission:

Labcorp Genetics (formerly Invitae), Labcorp
Classification: Uncertain significance for Familial focal epilepsy with variable foci. Last evaluated: 2023-08-30. Review status: criteria provided, single submitter. Criteria: Invitae Variant Classification Sherloc (09022015). Collection method: clinical testing. Allele origin: germline.
Comment: In summary, the available evidence is currently insufficient to determine the role of this variant in disease. Therefore, it has been classified as a Variant of Uncertain Significance. Variants that disrupt the consensus splice site are a relatively common cause of aberrant splicing (PMID: 17576681, 9536098). Algorithms developed to predict the effect of sequence changes on RNA splicing suggest that this variant may disrupt the consensus splice site. This variant has not been reported in the literature in individuals affected with DEPDC5-related conditions. This variant is not present in population databases (gnomAD no frequency). This sequence change falls in intron 11 of the DEPDC5 gene. It does not directly change the encoded amino acid sequence of the DEPDC5 protein. It affects a nucleotide within the consensus splice site.

Literature cited by the submitters: PubMed 17576681; PubMed 9536098.

NM_001242896.3(DEPDC5):c.695-3C>G

Gene: DEPDC5 (DEP domain containing 5, GATOR1 subcomplex subunit; plus strand). Cytogenetic location: 22q12.2.
Variant type: single nucleotide variant.
Coding change: c.695-3C>G on transcript NM_001242896.3 (MANE Select); 3 bases into the intron before coding-DNA position 695, C replaced by G.
Molecular consequence: intron variant.
Genome position (GRCh38, 1-based): chr22:31,792,742, C>G. VCF-style: chr22-31792742-C-G. GRCh37 (hg19) VCF-style: chr22-32188728-C-G.
Other names: c.695-3C>G (NM_001364318.2, NM_001136029.4, NM_014662.6 and 7 more transcripts); c.611-3C>G (NM_001369902.1, NM_001369901.1).
Identifiers: ClinVar variation 2756642 (VCV002756642.3), dbSNP rs2518620678, ClinGen allele CA2697552681.
Genomic context (GRCh38, chr22:31,792,742, plus strand): 5'-AAGCTGACAAAACTGAATTTCTCTTCTCAGCCTGAACTACATACTCCGTTTTCTCTATTT[C>G]AGATGAATTTCCTGAAATAAACCGAGCCTCAATTCGACAGGATCACAAGGGGAGATTCTA-3'